The following is an entry in ClinVar:

NM_198576.4(AGRN):c.1864C>T (p.Arg622Trp)

Gene: AGRN (agrin; plus strand). Cytogenetic location: 1p36.33.
Variant type: single nucleotide variant.
Coding change: c.1864C>T on transcript NM_198576.4 (MANE Select); coding-DNA position 1864, C replaced by T.
Protein change: p.Arg622Trp; replaces arginine 622 with tryptophan.
Molecular consequence: missense variant.
Genome position (GRCh38, 1-based): chr1:1,043,888, C>T. VCF-style: chr1-1043888-C-T. GRCh37 (hg19) VCF-style: chr1-979268-C-T.
Other names: c.1864C>T, p.Arg622Trp (NM_001305275.2); c.1549C>T, p.Arg517Trp (NM_001364727.2); short protein forms R622W, R517W.
Identifiers: ClinVar variation 650838 (VCV000650838.9), dbSNP rs142143178, ClinGen allele CA508361.

ClinVar aggregate classification (germline): Conflicting classifications of pathogenicity. Review status: criteria provided, conflicting classifications (1 of 4 stars). 4 submissions from 4 submitters: Uncertain significance (3); Likely benign (1). Last evaluated 2024-11-21.

Conditions:
Congenital myasthenic syndrome 8. Also called: MYASTHENIC SYNDROME, CONGENITAL, DUE TO AGRIN DEFICIENCY; Myasthenic syndrome, congenital, 8, with pre- and postsynaptic defects. Identifiers: Orphanet 590, MedGen C3808739, MONDO:0014052, OMIM 615120.

Allele frequency attached by ClinVar (database versions not stated): ExAC 0.00012; gnomAD exomes 0.00014 and 0.00018; ESP Exome Variant Server 0.00015; gnomAD 0.00015 and 0.00019; TOPMed 0.00017.
gnomAD v4.1: 292 of 1,610,832 alleles (0.018%); highest among the groups gnomAD compares: Non-Finnish European, 0.022%; no homozygotes.

Submissions (4):

Blueprint Genetics
Classification: Uncertain significance. Last evaluated: 2024-11-21. Review status: criteria provided, single submitter. Criteria: ACMG Guidelines, 2015. Collection method: clinical testing. Allele origin: germline.

3billion
Classification: Likely benign for Congenital myasthenic syndrome 8. Last evaluated: 2024-09-20. Review status: criteria provided, single submitter. Criteria: ACMG Guidelines, 2015. Collection method: clinical testing. Allele origin: germline. Affected: no.
Comment: The homozygous variant was found in patients diagnosed with another variant in a different gene, with no symptoms related to the gene containing the homozygous variant.

Revvity Omics, Revvity
Classification: Uncertain significance for Congenital myasthenic syndrome 8. Last evaluated: 2024-04-22. Review status: criteria provided, single submitter. Criteria: ACMG Guidelines, 2015. Collection method: clinical testing. Allele origin: germline.

Labcorp Genetics (formerly Invitae), Labcorp
Classification: Uncertain significance for Congenital myasthenic syndrome 8. Last evaluated: 2022-08-01. Review status: criteria provided, single submitter. Criteria: Invitae Variant Classification Sherloc (09022015). Collection method: clinical testing. Allele origin: germline.
Comment: This sequence change replaces arginine, which is basic and polar, with tryptophan, which is neutral and slightly polar, at codon 622 of the AGRN protein (p.Arg622Trp). This variant is present in population databases (rs142143178, gnomAD 0.02%). This variant has not been reported in the literature in individuals affected with AGRN-related conditions. ClinVar contains an entry for this variant (Variation ID: 650838). Algorithms developed to predict the effect of missense changes on protein structure and function are either unavailable or do not agree on the potential impact of this missense change (SIFT: "Deleterious"; PolyPhen-2: "Probably Damaging"; Align-GVGD: "Class C0"). In summary, the available evidence is currently insufficient to determine the role of this variant in disease. Therefore, it has been classified as a Variant of Uncertain Significance.